The following is an entry in ClinVar:

NM_182961.4(SYNE1):c.3641_3651del (p.Phe1214fs)

Gene: SYNE1 (spectrin repeat containing nuclear envelope protein 1; minus strand). Cytogenetic location: 6q25.2.
Variant type: Deletion.
Coding change: c.3641_3651del on transcript NM_182961.4 (MANE Select); coding-DNA positions 3641 to 3651, 11 bases deleted (TCAAGGCTCTT).
Protein change: p.Phe1214fs; shifts the reading frame from phenylalanine 1214.
Molecular consequence: frameshift variant.
Genome position (GRCh38, 1-based): chr6:152,447,476-152,447,486, AAGAGCCTTGA deleted on the plus strand (TCAAGGCTCTT on the coding strand, the reverse complement: SYNE1 is on the minus strand); deleting any 11 consecutive bases within chr6:152,447,476-152,447,492 gives the same sequence; the c. name uses the placement nearest the transcript's 3' end. VCF-style (leftmost placement, unchanged base first): chr6-152447475-CAAGAGCCTTGA-C. GRCh37 (hg19) VCF-style: chr6-152768610-CAAGAGCCTTGA-C.
Other names: c.3662_3672del, p.Phe1221fs (NM_033071.5); short protein forms F1221fs, F1214fs.
Identifiers: ClinVar variation 2944369 (VCV002944369.3), dbSNP rs2500815673, ClinGen allele CA2740091513.

ClinVar aggregate classification (germline): Pathogenic (1 of 4 stars; one submission).

Conditions:
Emery-Dreifuss muscular dystrophy 4, autosomal dominant (EDMD4). Also called: EMERY-DREIFUSS MUSCULAR DYSTROPHY 4 WITH VARIABLE FEATURES. Identifiers: Orphanet 261, MedGen C2751807, MONDO:0013071, OMIM 612998.
Autosomal recessive ataxia, Beauce type. Also called: Spinocerebellar ataxia, autosomal recessive 8; ATAXIA, RECESSIVE, OF BEAUCE; SYNE1-Related Autosomal Recessive Cerebellar Ataxia; SYNE1 Deficiency. Identifiers: Orphanet 88644, MedGen C1853116, MONDO:0012549, OMIM 610743.

Submission:

Labcorp Genetics (formerly Invitae), Labcorp
Classification: Pathogenic for Emery-Dreifuss muscular dystrophy 4, autosomal dominant; Autosomal recessive ataxia, Beauce type. Last evaluated: 2023-02-16. Review status: criteria provided, single submitter. Criteria: Invitae Variant Classification Sherloc (09022015). Collection method: clinical testing. Allele origin: germline.
Comment: This variant is not present in population databases (gnomAD no frequency). This variant has not been reported in the literature in individuals affected with SYNE1-related conditions. For these reasons, this variant has been classified as Pathogenic. This sequence change creates a premature translational stop signal (p.Phe1221Cysfs*8) in the SYNE1 gene. It is expected to result in an absent or disrupted protein product. Loss-of-function variants in SYNE1 are known to be pathogenic (PMID: 19542096, 24319099, 27086870).

Literature cited by the submitters: PubMed 19542096; PubMed 24319099; PubMed 27086870.